The following is an entry in ClinVar:

NM_007194.4(CHEK2):c.1216C>T (p.Arg406Cys)

Gene: CHEK2 (checkpoint kinase 2; minus strand). Cytogenetic location: 22q12.1.
Variant type: single nucleotide variant.
Coding change: c.1216C>T on transcript NM_007194.4 (MANE Select); coding-DNA position 1216, C replaced by T.
Protein change: p.Arg406Cys; replaces arginine 406 with cysteine.
Molecular consequence: missense variant.
Genome position (GRCh38, 1-based): chr22:28,695,753, G>A on the plus strand (C>T on the coding strand, the complement: CHEK2 is on the minus strand). VCF-style: chr22-28695753-G-A. GRCh37 (hg19) VCF-style: chr22-29091741-G-A.
Other names: p.R406C:CGT>TGT; c.1345C>T, p.Arg449Cys (NM_001005735.3); c.553C>T, p.Arg185Cys (NM_001257387.3); c.1015C>T, p.Arg339Cys (NM_001349956.3); c.1129C>T, p.Arg377Cys (NM_145862.3); short protein forms R406C, R185C, R339C, R377C, R449C.
Identifiers: ClinVar variation 142533 (VCV000142533.57), dbSNP rs587782527, ClinGen allele CA294433.

ClinVar aggregate classification (germline): Conflicting classifications of pathogenicity. Review status: criteria provided, conflicting classifications (1 of 4 stars). 21 submissions from 21 submitters: Uncertain significance (16); Likely benign (1). 4 of the submissions do not count toward it. Last evaluated 2026-03-06.

Conditions:
Predisposition to cancer.
CHEK2-related disorder.
Familial cancer of breast. Also called: hereditary breast carcinoma; BREAST CANCER, FAMILIAL; Hereditary breast cancer. Identifiers: Orphanet 227535, MedGen C0346153, MONDO:0016419, OMIM 114480. Disease mechanism: loss of function.
Bone osteosarcoma. Also called: Osteosarcoma, somatic. Identifiers: Orphanet 668, MedGen C0585442, MONDO:0002629, OMIM 259500.
CHEK2-related cancer predisposition (TPDS4). Also called: CHEK2-related cancer susceptibility; TUMOR PREDISPOSITION SYNDROME 4; CANCER PREDISPOSITION SYNDROME, CHEK2-RELATED. Identifiers: Orphanet 524, MedGen C5882668, MONDO:0700271, OMIM 609265.
Prostate cancer. Also called: Malignant tumor of prostate. Identifiers: Orphanet 1331, MedGen C0376358, MONDO:0008315, HP:0012125.
Breast and/or ovarian cancer. Identifiers: MedGen CN221562.
Hereditary cancer-predisposing syndrome. Also called: Neoplastic Syndromes, Hereditary; Hereditary neoplastic syndrome; Hereditary Cancer Syndrome; Tumor predisposition. Identifiers: Orphanet 140162, MedGen C0027672, MeSH D009386, MONDO:0015356.
Malignant tumor of breast. Also called: Malignant breast neoplasm; Cancer breast. Identifiers: MedGen C0006142, MONDO:0007254. Disease mechanism: loss of function.

Allele frequency attached by ClinVar (database versions not stated): TOPMed 0.00006; ExAC 0.00003.
gnomAD v4.1: 103 of 1,613,698 alleles (0.0064%); highest among the groups gnomAD compares: Middle Eastern, 0.12%; no homozygotes.

Submissions 1 to 6 of 21:

Women's Health and Genetics/Laboratory Corporation of America, LabCorp
Classification: Uncertain significance. Last evaluated: 2026-03-06. Review status: criteria provided, single submitter. Criteria: LabCorp Variant Classification Summary - May 2015. Collection method: clinical testing. Allele origin: germline.
Comment: Variant summary: CHEK2 c.1216C>T (p.Arg406Cys) results in a non-conservative amino acid change located in the Serine/Threonine protein kinases, catalytic domain (IPR000719) of the encoded protein sequence. Algorithms developed to predict the effect of missense changes on protein structure and function are either unavailable or do not agree on the potential impact of this missense change. The variant allele was found at a frequency of 5.1e-05 in 254176 control chromosomes (gnomAD). This frequency is not significantly higher than estimated for disease-causing variants in CHEK2, allowing no conclusion about variant significance. However, this observation needs to be cautiously considered since sequence alignment analysis suggests that the variant lies within a region of the gene that has high homology with the CHEK2P2 pseudogene. c.1216C>T has been reported in the heterozygous state in the literature in individuals with personal and/or family history of cancer (e.g. Calvez-Kelm_2011, Rashid_2013, Osorio_2004, Isaacsson_2018, Koczkowska_2018, Girard_2019, Dorling_2021, Guindalini_2022, Stolarova_2023, Infante_2024) as well as controls, however segregation data were not found. In a large study evaluating breast cancer cases and controls in the Breast Cancer Association Consortium (BCAC), the variant was reported in 9/60466 cases, but was also found in 9/53461 controls (Dorling_2021, reported through LOVD). These reports do not provide unequivocal conclusions about association of the variant with Hereditary Breast And Ovarian Cancer Syndrome. In a yeast functional study, the variant was found to be benign (Delimitsou_2019), however more relevant functional assays performed in human cell line backgrounds found this variant to be moderately deleterious for both KAP1 phosphorylation and CHEK2 autophosphorylation activity in vitro (example, Stolarova_2023). The following publications have been ascertained in the context of this evaluation (PMID: 21244692, 30851065, 33471991, 30303537, 35264596, 29368341, 30441849, 14618615, 23806170, 37449874, 38061684). ClinVar contains an entry for this variant (Variation ID: 142533). Based on the evidence outlined above, the variant was classified as VUS-possibly pathogenic.

PreventionGenetics, part of Exact Sciences
Classification: Uncertain significance for CHEK2-related condition. Last evaluated: 2026-02-21. Review status: criteria provided, single submitter. Criteria: ACMG Guidelines, 2015. Collection method: clinical testing. Allele origin: germline.
Comment: The CHEK2 c.1216C>T variant is predicted to result in the amino acid substitution p.Arg406Cys. This variant has been reported in individuals with breast cancer (Osorio et al. 2004. PubMed ID: 14618615; Table S1, Le Calvez-Kelm et al. 2011. PubMed ID: 21244692; Table S3, Girard et al. 2018. PubMed ID: 30303537; Table S3, Guindalini et al. 2022. PubMed ID: 35264596), an individual with ovarian cancer (Rashid et al. 2013. PubMed ID: 23806170; Table S1, Koczkowska et al. 2018. PubMed ID: 30441849), an individual with prostate cancer (Table S1, Isaacsson Velho et al. 2018. PubMed ID: 29368341), and an individual with hepatoblastoma (Aguiar et al. 2022. PubMed ID: 35495172). This variant has also been reported in healthy control individuals (Breast Cancer Association Consortium et al. 2021. PubMed ID: 33471991). Functional studies found this variant does not differ significantly from wild type CHEK2 (Delimitsou et al. 2019. PubMed ID: 30851065), though results we inconsistent across multiple assays (Stolarova et al. 2023. PubMed ID: 37449874). This variant is reported in 0.014% of alleles in individuals of Latino descent in gnomAD and has conflicting interpretations regarding its pathogenicity in ClinVar, ranging from likely benign to uncertain (Variation ID: 142533). At this time, the clinical significance of this variant is uncertain due to the absence of conclusive functional and genetic evidence.

Labcorp Genetics (formerly Invitae), Labcorp
Classification: Uncertain significance for Familial cancer of breast. Last evaluated: 2026-02-04. Review status: criteria provided, single submitter. Criteria: Invitae Variant Classification Sherloc (09022015). Collection method: clinical testing. Allele origin: germline.
Comment: This sequence change replaces arginine, which is basic and polar, with cysteine, which is neutral and slightly polar, at codon 406 of the CHEK2 protein (p.Arg406Cys). This variant is present in population databases (rs587782527, gnomAD 0.01%). This missense change has been observed in individual(s) with breast cancer, hepatoblastoma, and/or ovarian cancer (PMID: 14618615, 21244692, 23806170, 29368341, 32885271, 35402282, 35495172, 35534704, 38061684). ClinVar contains an entry for this variant (Variation ID: 142533). An algorithm developed to predict the effect of missense changes on protein structure and function (PolyPhen-2) suggests that this variant is likely to be tolerated. Experimental studies have shown that this missense change affects CHEK2 function (PMID: 37449874). In summary, the available evidence is currently insufficient to determine the role of this variant in disease. Therefore, it has been classified as a Variant of Uncertain Significance.

Center for Genomic Medicine, Rigshospitalet, Copenhagen University Hospital
Classification: Uncertain significance. Last evaluated: 2025-12-29. Review status: criteria provided, single submitter. Criteria: ACMG Guidelines, 2015. Collection method: clinical testing. Allele origin: germline.

Color Diagnostics, LLC DBA Color Health
Classification: Uncertain significance for Hereditary cancer-predisposing syndrome. Last evaluated: 2025-12-16. Review status: criteria provided, single submitter. Criteria: ACMG Guidelines, 2015. Collection method: clinical testing. Allele origin: germline.
Comment: This missense variant replaces arginine with cysteine at codon 406 of the CHEK2 protein. Computational prediction suggests that this variant may not impact protein structure and function. A functional study has reported this variant protein as benign in a yeast complementation assay (PMID: 30851065), however another study reported a detrimental impact of this variant on CHEK2 kinase activity (PMID: 37449874). This variant has been reported in individuals with personal and/or family history of breast and ovarian cancer (PMID: 14618615, 21244692, 23806170, 30441849, 30303537, 32885271, 35402282). In a large breast cancer case-control meta analysis, this variant was reported in 9/60466 cases and 9/53461 unaffected controls (PMID: 33471991). This variant has been identified in 103/1613698 chromosomes in the general population by the Genome Aggregation Database (gnomAD). The available evidence is insufficient to determine the role of this variant in disease conclusively. Therefore, this variant is classified as a Variant of Uncertain Significance.

GeneDx
Classification: Uncertain significance. Last evaluated: 2025-09-17. Review status: criteria provided, single submitter. Criteria: GeneDx Variant Classification Process June 2021. Collection method: clinical testing. Allele origin: germline. Affected: yes.
Comment: Observed in individuals with a personal or family history of sarcoma, breast, ovarian, or other cancers (PMID: 14618615, 21244692, 23806170, 27498913, 30303537, 35264596, 35534704, 38061684); In silico analysis supports that this missense variant has a deleterious effect on protein structure/function; Not observed at significant frequency in large population cohorts (gnomAD); Also known as c.1345C>T (p.Arg449Cys); This variant is associated with the following publications: (PMID: 26787654, 23741719, 28514183, 28553140, 25629968, 23806170, 14618615, 27498913, 21244692, 29173497, 28102005, 29368341, 29596542, 30303537, 32322110, 35495172, 35264596, 19782031, 22419737, 37449874, 30851065, 35534704, 35451682, 38061684)